The following is an entry in ClinVar:

ClinVar aggregate classification (germline): Benign/Likely benign. Review status: criteria provided, multiple submitters, no conflicts (2 of 4 stars). 3 submissions from 3 submitters: Benign (1); Likely benign (2). Last evaluated 2026-06-02.

Conditions:
Gastrointestinal stromal tumor. Also called: Gastrointestinal stroma tumor; Gastrointestinal stromal tumor, somatic. Identifiers: Orphanet 44890, MedGen C0238198, MeSH D046152, MONDO:0011719, OMIM 606764, HP:0100723.
Hereditary cancer-predisposing syndrome. Also called: Neoplastic Syndromes, Hereditary; Hereditary Cancer Syndrome; Hereditary neoplastic syndrome; Tumor predisposition. Identifiers: Orphanet 140162, MedGen C0027672, MeSH D009386, MONDO:0015356.

Allele frequency attached by ClinVar (database versions not stated): gnomAD exomes below 0.00001; TOPMed below 0.00001.
gnomAD v4.1: 2 of 1,613,852 alleles (0.00012%); highest among the groups gnomAD compares: Admixed American, 0.0017%; no homozygotes.

Submissions (3):

Myriad Genetics, Inc.
Classification: Benign for Gastrointestinal stromal tumor. Last evaluated: 2026-06-02. Review status: criteria provided, single submitter. Criteria: Myriad Autosomal Dominant, Autosomal Recessive and X-Linked Classification Criteria (2023). Collection method: clinical testing. Allele origin: unknown.
Comment: This variant is considered benign. This variant is a silent/synonymous amino acid change and it is not expected to impact splicing.

Ambry Genetics
Classification: Likely benign for Hereditary cancer-predisposing syndrome. Last evaluated: 2026-04-11. Review status: criteria provided, single submitter. Criteria: Ambry Variant Classification Scheme 2023. Collection method: clinical testing. Allele origin: germline.

Labcorp Genetics (formerly Invitae), Labcorp
Classification: Likely benign for Gastrointestinal stromal tumor. Last evaluated: 2020-09-09. Review status: criteria provided, single submitter. Criteria: Invitae Variant Classification Sherloc (09022015). Collection method: clinical testing. Allele origin: germline.

NM_000222.3(KIT):c.729C>T (p.Tyr243=)

Gene: KIT (KIT proto-oncogene, receptor tyrosine kinase; plus strand). Cytogenetic location: 4q12.
Variant type: single nucleotide variant.
Coding change: c.729C>T on transcript NM_000222.3 (MANE Select); coding-DNA position 729, C replaced by T.
Protein change: p.Tyr243=; no amino-acid change (tyrosine 243 retained).
Molecular consequence: synonymous variant.
Genome position (GRCh38, 1-based): chr4:54,699,739, C>T. VCF-style: chr4-54699739-C-T. GRCh37 (hg19) VCF-style: chr4-55565905-C-T.
Other names: c.729C>T (NM_000222.2); c.729C>T, p.Tyr243= (NM_001093772.2, NM_001385284.1, NM_001385285.1 and 4 more transcripts).
Identifiers: ClinVar variation 1108887 (VCV001108887.11), dbSNP rs1720333583, ClinGen allele CA439288236.